The following is an entry in ClinVar:

NM_030631.4(SLC25A21):c.145G>A (p.Asp49Asn)

Gene: SLC25A21 (solute carrier family 25 member 21; minus strand). Cytogenetic location: 14q13.3.
Variant type: single nucleotide variant.
Coding change: c.145G>A on transcript NM_030631.4 (MANE Select); coding-DNA position 145, G replaced by A.
Protein change: p.Asp49Asn; replaces aspartic acid 49 with asparagine.
Molecular consequence: missense variant.
Genome position (GRCh38, 1-based): chr14:36,813,976, C>T on the plus strand (G>A on the coding strand, the complement: SLC25A21 is on the minus strand). VCF-style: chr14-36813976-C-T. GRCh37 (hg19) VCF-style: chr14-37283181-C-T.
Other names: c.145G>A, p.Asp49Asn (NM_001171170.2); short protein forms D49N.
Identifiers: ClinVar variation 1647086 (VCV001647086.33), dbSNP rs118130312, ClinGen allele CA7159426.

ClinVar aggregate classification (germline): Benign/Likely benign. Review status: criteria provided, multiple submitters, no conflicts (2 of 4 stars). 2 submissions from 2 submitters: Benign (1); Likely benign (1). Last evaluated 2026-02-01.

Allele frequency attached by ClinVar (database versions not stated): 1000 Genomes Project 0.00140; 1000 Genomes Project 30x 0.00141; ESP Exome Variant Server 0.00192.
gnomAD v4.1: 5,726 of 1,607,974 alleles (0.36%); highest among the groups gnomAD compares: Non-Finnish European, 0.37%; 16 homozygotes.

Submissions (2):

CeGaT Center for Human Genetics Tuebingen
Classification: Likely benign. Last evaluated: 2026-02-01. Review status: criteria provided, single submitter. Criteria: CeGaT Center For Human Genetics Tuebingen Variant Classification Criteria Version 2. Collection method: clinical testing. Allele origin: germline. Affected: yes. Observed: 7 variant alleles.
Comment: SLC25A21: BS2

Labcorp Genetics (formerly Invitae), Labcorp
Classification: Benign. Last evaluated: 2026-01-21. Review status: criteria provided, single submitter. Criteria: Invitae Variant Classification Sherloc (09022015). Collection method: clinical testing. Allele origin: germline.